The following is an entry in ClinVar:

ClinVar aggregate classification (germline): Pathogenic (1 of 4 stars; one submission).

Submission:

Labcorp Genetics (formerly Invitae), Labcorp
Classification: Pathogenic. Last evaluated: 2025-09-02. Review status: criteria provided, single submitter. Criteria: Invitae Variant Classification Sherloc (09022015). Collection method: clinical testing. Allele origin: germline.
Comment: This sequence change creates a premature translational stop signal (p.Gly939Trpfs*5) in the COL2A1 gene. It is expected to result in an absent or disrupted protein product. Loss-of-function variants in COL2A1 are known to be pathogenic (PMID: 20179744). The frequency data for this variant in the population databases is considered unreliable, as metrics indicate poor data quality at this position in the gnomAD database. This premature translational stop signal has been observed in individual(s) with Stickler syndrome (PMID: 10729292). ClinVar contains an entry for this variant (Variation ID: 2137330). For these reasons, this variant has been classified as Pathogenic.

Literature cited by the submitters: PubMed 20179744; PubMed 10729292.

NM_001844.5(COL2A1):c.2813dup (p.Gly939fs)

Gene: COL2A1 (collagen type II alpha 1 chain; minus strand). Cytogenetic location: 12q13.11.
Variant type: Duplication.
Coding change: c.2813dup on transcript NM_001844.5 (MANE Select); coding-DNA position 2813, one base duplicated (C; older notation c.2813dupC).
Protein change: p.Gly939fs; shifts the reading frame from glycine 939.
Molecular consequence: frameshift variant.
Genome position (GRCh38, 1-based): chr12:47,978,679, G duplicated on the plus strand (C on the coding strand, the reverse complement: COL2A1 is on the minus strand); the first of 6 consecutive G bases (chr12:47,978,679-47,978,684); duplicating any one gives the same sequence. VCF-style (leftmost placement, unchanged base first): chr12-47978678-A-AG. GRCh37 (hg19) VCF-style: chr12-48372461-A-AG.
Other names: c.2606dup, p.Gly870fs (NM_033150.3); short protein forms G939fs, G870fs.
Identifiers: ClinVar variation 2137330 (VCV002137330.4), dbSNP rs886039543, ClinGen allele CA605231529.